The following is an entry in ClinVar:

NM_000197.2(HSD17B3):c.155-2A>G

Genes: SLC35D2-HSD17B3 (SLC35D2-HSD17B3 readthrough; minus strand), HSD17B3 (hydroxysteroid 17-beta dehydrogenase 3; minus strand). Cytogenetic location: 9q22.32.
Variant type: single nucleotide variant.
Coding change: c.155-2A>G on transcript NM_000197.2 (MANE Select); the canonical splice acceptor site of the intron before coding-DNA position 155, A replaced by G.
Molecular consequence: splice acceptor variant.
Genome position (GRCh38, 1-based): chr9:96,298,464, T>C on the plus strand (A>G on the coding strand, the complement: HSD17B3 is on the minus strand). VCF-style: chr9-96298464-T-C. GRCh37 (hg19) VCF-style: chr9-99060746-T-C.
Identifiers: ClinVar variation 3779741 (VCV003779741.3).
Genomic context (GRCh38, chr9:96,298,464, plus strand): 5'-AAGATAGCTTACCTCGAACGAGTACGCTTTCCCAATTCCATCGCCTGCTCCAGTGATCAC[T>C]GTGAAAAGCAAGAATGCTTTTAAAAGACAGAATTCATCTTTAAACTTCTCTTTCTCACTG-3'

ClinVar aggregate classification (germline): Likely pathogenic. Review status: criteria provided, multiple submitters, no conflicts (2 of 4 stars). 2 submissions from 2 submitters: Likely pathogenic (2). Last evaluated 2025-03-04.

Conditions:
Testosterone 17-beta-dehydrogenase deficiency. Also called: 17 alpha ketosteroid reductase deficiency of testis; 17 alpha KSR deficiency; Neutral 17 beta hydroxysteroid oxidoreductase deficiency; Male pseudoherma-phroditism with gynecomastia; 46,XY disorder of sex development due to 17-beta-hydroxysteroid dehydrogenase 3 deficiency; Pseudohermaphroditism male with gynecomastia. Identifiers: Orphanet 752, MedGen C0268296, MONDO:0009916, OMIM 264300. Disease mechanism: loss of function.

Submissions (2):

Victorian Clinical Genetics Services, Murdoch Childrens Research Institute
Classification: Likely pathogenic for Testosterone 17-beta-dehydrogenase deficiency. Last evaluated: 2025-03-04. Review status: criteria provided, single submitter. Criteria: ACMG Guidelines, 2015. Collection method: clinical testing. Allele origin: germline. Affected: yes.
Comment: This variant is classified as Likely pathogenic. Evidence in support of pathogenic classification: Canonical splice site variant without proven consequence on splicing (no functional evidence available); Variant is absent from gnomAD (v2, v3 and v4); Another canonical splice variant comparable to the one identified in this case has limited previous evidence for pathogenicity. Abnormal splicing is predicted by in silico tool and affected nucleotide is highly conserved. Additional information: This variant is heterozygous; This gene is associated with autosomal recessive disease; This variant has no previous evidence of pathogenicity; No published segregation evidence has been identified for this variant; No published functional evidence has been identified for this variant; Loss of function is a known mechanism of disease in this gene and is associated with pseudohermaphroditism, male, with gynecomastia (MIM#264300).

Department of Pathology and Laboratory Medicine, Sinai Health System
Classification: Likely pathogenic for Testosterone 17-beta-dehydrogenase deficiency. Last evaluated: 2023-02-08. Review status: criteria provided, single submitter. Criteria: ACMG Guidelines, 2015. Collection method: research. Allele origin: germline.

Literature cited by the submitters: PubMed 36606580 (cited by Victorian Clinical Genetics Services, Murdoch Childrens Research Institute).